The following is an entry in ClinVar:

ClinVar aggregate classification (germline): Uncertain significance (1 of 4 stars; one submission).

Submission:

GeneDx
Classification: Uncertain significance. Last evaluated: 2024-08-07. Review status: criteria provided, single submitter. Criteria: GeneDx Variant Classification Process June 2021. Collection method: clinical testing. Allele origin: germline. Affected: yes.
Comment: Not observed at significant frequency in large population cohorts (gnomAD); In silico analysis indicates that this missense variant does not alter protein structure/function; Has not been previously published as pathogenic or benign to our knowledge

NM_001367721.1(CASK):c.631A>G (p.Ile211Val)

Gene: CASK (calcium/calmodulin dependent serine protein kinase; minus strand). Cytogenetic location: Xp11.4.
Variant type: single nucleotide variant.
Coding change: c.631A>G on transcript NM_001367721.1 (MANE Select); coding-DNA position 631, A replaced by G.
Protein change: p.Ile211Val; replaces isoleucine 211 with valine.
Molecular consequence: missense variant.
Genome position (GRCh38, 1-based): chrX:41,665,354, T>C on the plus strand (A>G on the coding strand, the complement: CASK is on the minus strand). VCF-style: chrX-41665354-T-C. GRCh37 (hg19) VCF-style: chrX-41524607-T-C.
Other names: c.631A>G, p.Ile211Val (NM_001126054.3, NM_001126055.3, NM_001410745.1 and 1 more transcripts); short protein forms I211V.
Identifiers: ClinVar variation 3603223 (VCV003603223.1).
Genomic context (GRCh38, chrX:41,665,354, plus strand): 5'-TAATGCCTTCAAACAATCTTTCCTTGGTTCCGTAAAAAGGCAAACAACCACTGAGCAGGA[T>C]AAAAAGGATCACACCGCACCCCCAGACGTCTACAGGCTTTCCGTAAGGCTCTCTTTTGAC-3'
Protein context (NP_001354650.1, residues 201-221): DVWGCGVILF[Ile211Val]LLSGCLPFYG